The following is an entry in ClinVar:

ClinVar aggregate classification (germline): Likely benign (1 of 4 stars; one submission).

Conditions:
Malignant hyperthermia, susceptibility to, 5 (MHS5). Also called: CACNA1S-Related Malignant Hyperthermia Susceptibility. Identifiers: Orphanet 423, MedGen C1866077, MONDO:0011163, OMIM 601887.

Submission:

All of Us Research Program, National Institutes of Health
Classification: Likely benign for Malignant hyperthermia, susceptibility to, 5. Last evaluated: 2023-07-22. Review status: criteria provided, single submitter. Criteria: ACMG Guidelines, 2015. Collection method: clinical testing. Allele origin: germline. Inheritance: Autosomal dominant inheritance. Observed: 1 variant allele, 1 heterozygote.
Comment: This study involves interpretation of variants in research participants for the purpose of population health screening. Participant phenotype was not available at the time of variant classification. Additional details can be found in publication PMID: 35346344, PMCID: PMC8962531

NM_000069.3(CACNA1S):c.1701C>T (p.Phe567=)

Gene: CACNA1S (calcium voltage-gated channel subunit alpha1 S; minus strand). Cytogenetic location: 1q32.1.
Variant type: single nucleotide variant.
Coding change: c.1701C>T on transcript NM_000069.3 (MANE Select); coding-DNA position 1701, C replaced by T.
Protein change: p.Phe567=; no amino-acid change (phenylalanine 567 retained).
Molecular consequence: synonymous variant.
Genome position (GRCh38, 1-based): chr1:201,077,046, G>A on the plus strand (C>T on the coding strand, the complement: CACNA1S is on the minus strand). VCF-style: chr1-201077046-G-A. GRCh37 (hg19) VCF-style: chr1-201046174-G-A.
Identifiers: ClinVar variation 3072542 (VCV003072542.1), dbSNP rs2464567099, ClinGen allele CA422689440.